The following is an entry in ClinVar:

ClinVar aggregate classification (germline): Pathogenic (1 of 4 stars; one submission).

Conditions:
Primary immunodeficiency with post-measles-mumps-rubella vaccine viral infection. Also called: Immunodeficiency 44. Identifiers: Orphanet 431166, MedGen C4225260, MONDO:0014715, OMIM 616636.

Submission:

Labcorp Genetics (formerly Invitae), Labcorp
Classification: Pathogenic for Primary immunodeficiency with post-measles-mumps-rubella vaccine viral infection. Last evaluated: 2025-12-15. Review status: criteria provided, single submitter. Criteria: Invitae Variant Classification Sherloc (09022015). Collection method: clinical testing. Allele origin: germline.
Comment: This sequence change creates a premature translational stop signal (p.Arg343*) in the STAT2 gene. It is expected to result in an absent or disrupted protein product. Loss-of-function variants in STAT2 are known to be pathogenic (PMID: 23391734, 26122121). This variant is not present in population databases (gnomAD no frequency). This variant has not been reported in the literature in individuals affected with STAT2-related conditions. For these reasons, this variant has been classified as Pathogenic.

Literature cited by the submitters: PubMed 23391734; PubMed 26122121.

NM_005419.4(STAT2):c.1027C>T (p.Arg343Ter)

Gene: STAT2 (signal transducer and activator of transcription 2; minus strand). Cytogenetic location: 12q13.3.
Variant type: single nucleotide variant.
Coding change: c.1027C>T on transcript NM_005419.4 (MANE Select); coding-DNA position 1027, C replaced by T.
Protein change: p.Arg343Ter; replaces arginine 343 with a stop codon.
Molecular consequence: nonsense.
Genome position (GRCh38, 1-based): chr12:56,351,105, G>A on the plus strand (C>T on the coding strand, the complement: STAT2 is on the minus strand). VCF-style: chr12-56351105-G-A. GRCh37 (hg19) VCF-style: chr12-56744889-G-A.
Other names: c.1015C>T, p.Arg339Ter (NM_001385110.1, NM_001385115.1, NM_198332.2); c.1027C>T, p.Arg343Ter (NM_001385111.1, NM_001385113.1, NM_001385114.1); short protein forms R343*, R339*.
Identifiers: ClinVar variation 4765527 (VCV004765527.1).